The following is an entry in ClinVar:

ClinVar aggregate classification (germline): Pathogenic (1 of 4 stars; one submission).

Submission:

Labcorp Genetics (formerly Invitae), Labcorp
Classification: Pathogenic. Last evaluated: 2021-09-15. Review status: criteria provided, single submitter. Criteria: Invitae Variant Classification Sherloc (09022015). Collection method: clinical testing. Allele origin: germline.
Comment: This sequence change affects a donor splice site in intron 5 of the GNAS gene. It is expected to disrupt RNA splicing. Variants that disrupt the donor or acceptor splice site typically lead to a loss of protein function (PMID: 16199547), and loss-of-function variants in GNAS are known to be pathogenic (PMID: 11784876, 23281139, 23796510, 25802881). This variant is not present in population databases (ExAC no frequency). Disruption of this splice site has been observed in individual(s) with pseudopseudohypoparathyroidism (PMID: 31696922). In at least one individual the variant was observed to be de novo. Algorithms developed to predict the effect of sequence changes on RNA splicing suggest that this variant may disrupt the consensus splice site. For these reasons, this variant has been classified as Pathogenic.

Literature cited by the submitters: PubMed 16199547; PubMed 11784876; PubMed 23281139; PubMed 23796510; PubMed 25802881; PubMed 31696922.

NM_000516.7(GNAS):c.432+2T>G

Gene: GNAS (GNAS complex locus; plus strand). Cytogenetic location: 20q13.32.
Variant type: single nucleotide variant.
Coding change: c.432+2T>G on transcript NM_000516.7 (MANE Select); the canonical splice donor site of the intron after coding-DNA position 432, T replaced by G.
Molecular consequence: splice donor variant.
Genome position (GRCh38, 1-based): chr20:58,903,793, T>G. VCF-style: chr20-58903793-T-G. GRCh37 (hg19) VCF-style: chr20-57478848-T-G.
Other names: c.*338+2T>G (NM_016592.5); c.336+2T>G (NM_001410912.1); c.255+2T>G (NM_001309861.2, NM_001309840.2); c.*293+2T>G (NM_001077490.3); c.2361+2T>G (NM_080425.4); c.2316+2T>G (NM_001410913.1); c.435+2T>G (NM_001077488.5); c.390+2T>G (NM_080426.4); and 1 more.
Identifiers: ClinVar variation 1455100 (VCV001455100.6), dbSNP rs2146185827, ClinGen allele CA409450729.
Genomic context (GRCh38, chr20:58,903,793, plus strand): 5'-AGTTCAGAGTGGACTACATCCTGAGTGTGATGAACGTGCCTGACTTTGACTTCCCTCCCG[T>G]AAGCTACACCCCGACTTGTGTGGCCTTAGCCCCGCCCACCTGAGCACAGTGTCCATATAG-3'